The following is an entry in ClinVar:

ClinVar aggregate classification (germline): Pathogenic (1 of 4 stars; one submission).

Submission:

Labcorp Genetics (formerly Invitae), Labcorp
Classification: Pathogenic. Last evaluated: 2021-09-25. Review status: criteria provided, single submitter. Criteria: Invitae Variant Classification Sherloc (09022015). Collection method: clinical testing. Allele origin: germline.
Comment: For these reasons, this variant has been classified as Pathogenic. This variant has not been reported in the literature in individuals affected with CDH23-related conditions. This variant is not present in population databases (ExAC no frequency). This sequence change creates a premature translational stop signal (p.Ser51Cysfs*12) in the CDH23 gene. It is expected to result in an absent or disrupted protein product. Loss-of-function variants in CDH23 are known to be pathogenic (PMID: 11138009, 21940737).

Literature cited by the submitters: PubMed 11138009; PubMed 21940737.

NM_022124.6(CDH23):c.152_153del (p.Ser51fs)

Genes: CDH23 (cadherin related 23; plus strand), CDH23-AS1 (CDH23 antisense RNA 1; minus strand). Cytogenetic location: 10q22.1.
Variant type: Deletion.
Coding change: c.152_153del on transcript NM_022124.6 (MANE Select); coding-DNA positions 152 to 153, 2 bases deleted (CT; older notation c.152_153delCT).
Protein change: p.Ser51fs; shifts the reading frame from serine 51.
Molecular consequence: frameshift variant.
Genome position (GRCh38, 1-based): chr10:71,510,088-71,510,089, CT deleted; deleting any 2 consecutive bases within chr10:71,510,087-71,510,089 gives the same sequence; the c. name uses the placement nearest the transcript's 3' end. VCF-style (leftmost placement, unchanged base first): chr10-71510086-TTC-T. GRCh37 (hg19) VCF-style: chr10-73269843-TTC-T.
Other names: c.152_153del, p.Ser51fs (NM_001171930.2, NM_001171931.2, NM_001171932.2 and 1 more transcripts); short protein forms S51fs.
Identifiers: ClinVar variation 1380859 (VCV001380859.6), dbSNP rs2132195736, ClinGen allele CA2573145345.